The following is an entry in ClinVar:

ClinVar aggregate classification (germline): Uncertain significance (1 of 4 stars; one submission).

Conditions:
Cardiovascular phenotype. Identifiers: MedGen CN230736.

gnomAD v4.1: 1 of 1,613,792 alleles (0.000062%); highest among the groups gnomAD compares: Non-Finnish European, 0.000085%; no homozygotes.

Submission:

Ambry Genetics
Classification: Uncertain significance for Cardiovascular phenotype. Last evaluated: 2026-04-27. Review status: criteria provided, single submitter. Criteria: Ambry Variant Classification Scheme 2023. Collection method: clinical testing. Allele origin: germline.
Comment: The p.C344R variant (also known as c.1030T>C), located in coding exon 11 of the EYA4 gene, results from a T to C substitution at nucleotide position 1030. The cysteine at codon 344 is replaced by arginine, an amino acid with highly dissimilar properties. This amino acid position is conserved. In addition, this alteration is predicted to be tolerated by in silico analysis. Based on the available evidence, the clinical significance of this variant remains unclear.

NM_004100.5(EYA4):c.1030T>C (p.Cys344Arg)

Gene: EYA4 (EYA transcriptional coactivator and phosphatase 4; plus strand). Cytogenetic location: 6q23.2.
Variant type: single nucleotide variant.
Coding change: c.1030T>C on transcript NM_004100.5 (MANE Select); coding-DNA position 1030, T replaced by C.
Protein change: p.Cys344Arg; replaces cysteine 344 with arginine.
Molecular consequence: missense variant.
Genome position (GRCh38, 1-based): chr6:133,481,522, T>C. VCF-style: chr6-133481522-T-C. GRCh37 (hg19) VCF-style: chr6-133802660-T-C.
Other names: c.868T>C, p.Cys290Arg (NM_001301012.2); c.1048T>C, p.Cys350Arg (NM_001301013.2); c.961T>C, p.Cys321Arg (NM_001370458.1, NM_172103.4); c.886T>C, p.Cys296Arg (NM_001370459.1); c.1030T>C, p.Cys344Arg (NM_172105.4); short protein forms C290R, C296R, C321R, C344R, C350R.
Identifiers: ClinVar variation 4870720 (VCV004870720.1).